The following is an entry in ClinVar:

ClinVar aggregate classification (germline): Benign/Likely benign. Review status: criteria provided, multiple submitters, no conflicts (2 of 4 stars). 6 submissions from 5 submitters: Benign (2); Likely benign (3). 1 of the submissions does not count toward it. Last evaluated 2026-01-19.

Conditions:
COL1A2-related disorder. Also called: COL1A2-related condition; COL1A2-Related Disorders.
Ehlers-Danlos syndrome, classic type, 1 (EDSCL1). Also called: Ehlers-Danlos Syndrome, Classic Type, COL5A1-Related; EDS I; Ehlers-Danlos syndrome, type 1; EHLERS-DANLOS SYNDROME, GRAVIS TYPE; EHLERS-DANLOS SYNDROME, SEVERE CLASSIC TYPE. Identifiers: MedGen C0268335, MONDO:0019567, OMIM 130000.
Osteogenesis imperfecta type I (OI1). Also called: Lobstein disease; Classic Non-deforming Osteogenesis Imperfecta with Blue Sclerae; OI, TYPE I; OSTEOGENESIS IMPERFECTA TARDA; OSTEOGENESIS IMPERFECTA WITH BLUE SCLERAE; Osteogenesis imperfecta type 1. Identifiers: Orphanet 216796, Orphanet 666, MedGen C0023931, MONDO:0008146, OMIM 166200. Disease mechanism: loss of function.
Ehlers-Danlos syndrome, arthrochalasia type, 2. Also called: EHLERS-DANLOS SYNDROME, TYPE VIIB, AUTOSOMAL DOMINANT. Identifiers: MedGen CN293783, MONDO:0040501, OMIM 617821.
Cardiovascular phenotype. Identifiers: MedGen CN230736.
Osteogenesis imperfecta (OI). Identifiers: Orphanet 666, MedGen C0029434, MeSH D010013, MONDO:0019019.

Allele frequency attached by ClinVar (database versions not stated): 1000 Genomes Project 30x 0.00047; TOPMed 0.00007; 1000 Genomes Project 0.00020.
gnomAD v4.1: 41 of 1,613,316 alleles (0.0025%); highest among the groups gnomAD compares: Admixed American, 0.067%; no homozygotes.

Submissions (6):

Women's Health and Genetics/Laboratory Corporation of America, LabCorp
Classification: Benign. Last evaluated: 2026-01-19. Review status: criteria provided, single submitter. Criteria: LabCorp Variant Classification Summary - May 2015. Collection method: clinical testing. Allele origin: germline.
Comment: Variant summary: COL1A2 c.2082C>A (p.Gly694Gly) alters a non-conserved nucleotide located close to a canonical splice site and therefore could affect mRNA splicing, leading to a significantly altered protein sequence. Consensus agreement among computation tools predict no significant impact on normal splicing. However, these predictions have yet to be confirmed by functional studies. The variant allele was found at a frequency of 0.00013 in 250778 control chromosomes. The observed variant frequency exceeds the estimated maximal expected allele frequency for disease-causing variants in COL1A2. To our knowledge, no occurrence of c.2082C>A in individuals affected with COL1A2-related conditions and no experimental evidence demonstrating its impact on protein function have been reported. ClinVar contains an entry for this variant (Variation ID: 35940). Based on the evidence outlined above, the variant was classified as benign.

Labcorp Genetics (formerly Invitae), Labcorp
Classification: Likely benign for Osteogenesis imperfecta type I; Ehlers-Danlos syndrome, classic type, 1. Last evaluated: 2025-07-09. Review status: criteria provided, single submitter. Criteria: Invitae Variant Classification Sherloc (09022015). Collection method: clinical testing. Allele origin: germline.

Ambry Genetics
Classification: Likely benign for Cardiovascular phenotype. Last evaluated: 2020-02-26. Review status: criteria provided, single submitter. Criteria: Ambry Variant Classification Scheme 2023. Collection method: clinical testing. Allele origin: germline.

Illumina Laboratory Services, Illumina
Classification: Benign for Ehlers-Danlos syndrome, arthrochalasia type, 2. Last evaluated: 2018-01-13. Review status: criteria provided, single submitter. Criteria: ICSL Variant Classification Criteria 13 December 2019. Collection method: clinical testing. Allele origin: germline.
Comment: This variant was observed in the ICSL laboratory as part of a predisposition screen in an ostensibly healthy population. It had not been previously curated by ICSL or reported in the Human Gene Mutation Database (HGMD: prior to June 1st, 2018), and was therefore a candidate for classification through an automated scoring system. Utilizing variant allele frequency, disease prevalence and penetrance estimates, and inheritance mode, an automated score was calculated to assess if this variant is too frequent to cause the disease. Based on the score and internal cut-off values, a variant classified as benign is not then subjected to further curation. The score for this variant resulted in a classification of benign for this disease.

Illumina Laboratory Services, Illumina
Classification: Likely benign for Osteogenesis imperfecta. Last evaluated: 2018-01-13. Review status: criteria provided, single submitter. Criteria: ICSL Variant Classification Criteria 13 December 2019. Collection method: clinical testing. Allele origin: germline.
Comment: This variant was observed in the ICSL laboratory as part of a predisposition screen in an ostensibly healthy population. It had not been previously curated by ICSL or reported in the Human Gene Mutation Database (HGMD: prior to June 1st, 2018), and was therefore a candidate for classification through an automated scoring system. Utilizing variant allele frequency, disease prevalence and penetrance estimates, and inheritance mode, an automated score was calculated to assess if this variant is too frequent to cause the disease. Based on the score and internal cut-off values, a variant classified as likely benign is not then subjected to further curation. The score for this variant resulted in a classification of likely benign for this disease.

PreventionGenetics, part of Exact Sciences
Classification: Likely benign for COL1A2-related condition. Last evaluated: 2023-06-16. Review status: no assertion criteria provided. Collection method: clinical testing. Allele origin: germline. Not counted in ClinVar's aggregate classification.
Comment: This variant is classified as likely benign based on ACMG/AMP sequence variant interpretation guidelines (Richards et al. 2015 PMID: 25741868, with internal and published modifications).

NM_000089.4(COL1A2):c.2082C>A (p.Gly694=)

Gene: COL1A2 (collagen type I alpha 2 chain; plus strand). Cytogenetic location: 7q21.3.
Variant type: single nucleotide variant.
Coding change: c.2082C>A on transcript NM_000089.4 (MANE Select); coding-DNA position 2082, C replaced by A.
Protein change: p.Gly694=; no amino-acid change (glycine 694 retained).
Molecular consequence: synonymous variant.
Genome position (GRCh38, 1-based): chr7:94,420,235, C>A. VCF-style: chr7-94420235-C-A. GRCh37 (hg19) VCF-style: chr7-94049547-C-A.
Identifiers: ClinVar variation 35940 (VCV000035940.24), dbSNP rs193229878, ClinGen allele CA260351.